The following is an entry in ClinVar:

ClinVar aggregate classification (germline): Pathogenic (1 of 4 stars; one submission).

Conditions:
Tuberous sclerosis syndrome (TSC). Also called: Tuberous sclerosis; Tuberous Sclerosis Complex. Identifiers: Orphanet 805, MedGen C0041341, MONDO:0001734.

Submission:

Cambridge Genomics Laboratory, East Genomic Laboratory Hub, NHS Genomic Medicine Service
Classification: Pathogenic for Tuberous sclerosis. Last evaluated: 2026-11-03. Review status: criteria provided, single submitter. Criteria: ACGS Best Practice Guidelines for Variant Classification in Rare Disease 2020. Collection method: clinical testing. Allele origin: germline. Affected: yes.
Comment: PVS1,PM2,PP4

NM_000548.5(TSC2):c.1351A>T (p.Arg451Ter)

Gene: TSC2 (TSC complex subunit 2; plus strand). Cytogenetic location: 16p13.3.
Variant type: single nucleotide variant.
Coding change: c.1351A>T on transcript NM_000548.5 (MANE Select); coding-DNA position 1351, A replaced by T.
Protein change: p.Arg451Ter; replaces arginine 451 with a stop codon.
Molecular consequence: nonsense. On other transcripts: 5 prime UTR variant (1), non-coding transcript variant (5).
Genome position (GRCh38, 1-based): chr16:2,062,590, A>T. VCF-style: chr16-2062590-A-T. GRCh37 (hg19) VCF-style: chr16-2112591-A-T.
Other names: c.1351A>T, p.Arg451Ter (NM_001077183.3, NM_001114382.3, NM_001363528.2 and 6 more transcripts); c.1240A>T, p.Arg414Ter (NM_001318827.2, NM_001406670.1, NM_001406678.1); c.1204A>T, p.Arg402Ter (NM_001318829.2, NM_001406675.1, NM_001406676.1 and 1 more transcripts); c.751A>T, p.Arg251Ter (NM_001318831.2, NM_001406688.1, NM_001406680.1 and 6 more transcripts); c.1384A>T, p.Arg462Ter (NM_001318832.2); c.1441A>T, p.Arg481Ter (NM_001406667.1, NM_001406668.1); c.1339A>T, p.Arg447Ter (NM_001406671.1, NM_001406673.1); c.1294A>T, p.Arg432Ter (NM_001406677.1); and 3 more; short protein forms R251*, R297*, R3*, R402*, R414*, R432*, R447*, R451*.
Identifiers: ClinVar variation 5042645 (VCV005042645.1).